The following is an entry in ClinVar:

NM_001261826.3(AP3D1):c.2606A>T (p.Glu869Val)

Gene: AP3D1 (adaptor related protein complex 3 subunit delta 1; minus strand). Cytogenetic location: 19p13.3.
Variant type: single nucleotide variant.
Coding change: c.2606A>T on transcript NM_001261826.3 (MANE Select); coding-DNA position 2606, A replaced by T.
Protein change: p.Glu869Val; replaces glutamic acid 869 with valine.
Molecular consequence: missense variant. On other transcripts: intron variant (1).
Genome position (GRCh38, 1-based): chr19:2,113,409, T>A on the plus strand (A>T on the coding strand, the complement: AP3D1 is on the minus strand). VCF-style: chr19-2113409-T-A. GRCh37 (hg19) VCF-style: chr19-2113408-T-A.
Other names: p.Glu869Val; c.2606A>T, p.Glu869Val (NM_001374799.1); c.2601+716A>T (NM_003938.8); short protein forms E869V.
Identifiers: ClinVar variation 2967302 (VCV002967302.4), dbSNP rs1415466539, ClinGen allele CA403207491.

ClinVar aggregate classification (germline): Uncertain significance. Review status: criteria provided, multiple submitters, no conflicts (2 of 4 stars). 2 submissions from 2 submitters: Uncertain significance (2). Last evaluated 2026-01-25.

Allele frequency attached by ClinVar (database versions not stated): gnomAD 0.00001; TOPMed 0.00001.

Submissions (2):

Labcorp Genetics (formerly Invitae), Labcorp
Classification: Uncertain significance. Last evaluated: 2026-01-25. Review status: criteria provided, single submitter. Criteria: Invitae Variant Classification Sherloc (09022015). Collection method: clinical testing. Allele origin: germline.
Comment: This sequence change replaces glutamic acid, which is acidic and polar, with valine, which is neutral and non-polar, at codon 869 of the AP3D1 protein (p.Glu869Val). This variant is present in population databases (no rsID available, gnomAD 0.01%). This variant has not been reported in the literature in individuals affected with AP3D1-related conditions. ClinVar contains an entry for this variant (Variation ID: 2967302). An algorithm developed to predict the effect of missense changes on protein structure and function outputs the following: PolyPhen-2: "Benign". The valine amino acid residue is found in multiple mammalian species, which suggests that this missense change does not adversely affect protein function. In summary, the available evidence is currently insufficient to determine the role of this variant in disease. Therefore, it has been classified as a Variant of Uncertain Significance.

Mayo Clinic Laboratories, Mayo Clinic
Classification: Uncertain significance. Last evaluated: 2023-11-02. Review status: criteria provided, single submitter. Criteria: ACMG Guidelines, 2015. Collection method: clinical testing. Allele origin: germline. Observed: 1 variant allele.
Comment: BP4, PM2